The following is an entry in ClinVar:

NM_000277.3(PAH):c.969+6T>C

Gene: PAH (phenylalanine hydroxylase; minus strand). Cytogenetic location: 12q23.2.
Variant type: single nucleotide variant.
Coding change: c.969+6T>C on transcript NM_000277.3 (MANE Select); 6 bases into the intron after coding-DNA position 969, T replaced by C.
Molecular consequence: intron variant.
Genome position (GRCh38, 1-based): chr12:102,846,889, A>G on the plus strand (T>C on the coding strand, the complement: PAH is on the minus strand). VCF-style: chr12-102846889-A-G. GRCh37 (hg19) VCF-style: chr12-103240667-A-G.
Other names: NM_001354304.2:c.969+6T>C; c.969+6T>C (NM_001354304.2).
Identifiers: ClinVar variation 1693241 (VCV001693241.1), dbSNP rs62517196, ClinGen allele CA16020907.

ClinVar aggregate classification (germline): Uncertain significance (3 of 4 stars; one submission).

Conditions:
Phenylketonuria (PKU). Also called: Phenylketonurias; FOLLING DISEASE; Phenylketonuria (PKU); OLIGOPHRENIA PHENYLPYRUVICA. Identifiers: Orphanet 716, MedGen C0031485, MONDO:0009861, OMIM 261600. Disease mechanism: loss of function.

Submission:

ClinGen PAH Variant Curation Expert Panel
Classification: Uncertain significance for Phenylketonuria. Last evaluated: 2020-07-09. Review status: reviewed by expert panel. Criteria: ClinGen PAH ACMG Specifications v1. Collection method: curation. Allele origin: germline. Inheritance: Autosomal recessive inheritance.
Comment: The c.969+6T>C variant in PAH is absent from population databases (PM2). It has been observed in at least one mild PKU patient (PMID: 24941924; PP4). The patient is compound heterozygous with pathogenic variant c.1066‐11G>A (ClinVar 607; PM3_supporting). In summary, this variant meets criteria to be classified as uncertain significance for PAH. PAH-specific ACMG/AMP criteria applied: PM2, PM3_supporting, PP4.